The following is an entry in ClinVar:

ClinVar aggregate classification (germline): Likely pathogenic (1 of 4 stars; one submission).

Conditions:
Martsolf syndrome 1. Identifiers: Orphanet 1387, MedGen C5542298, MONDO:8000008, OMIM 212720.

Submission:

Broad Center for Mendelian Genomics, Broad Institute of MIT and Harvard
Classification: Likely pathogenic for Martsolf syndrome 1. Last evaluated: 2023-01-25. Review status: criteria provided, single submitter. Criteria: ACMG Guidelines, 2015. Collection method: curation. Allele origin: germline. Inheritance: Autosomal recessive inheritance.
Comment: The p.Gly763fsTer*1 variant in RAB3GAP2 has been previously reported in two affected relatives from one family with Martsolf syndrome and segregated with disease in this family (PMID: 32740904). These affected individuals and the individual identified by our study were homozygotes, which increases the likelihood that the p.Gly763fsTer*1 variant is pathogenic. This variant was absent from large population studies. This variant is predicted to cause a frameshift, which alters the protein‚Äôs amino acid sequence beginning at position 763 and leads to a premature termination codon 1 amino acids downstream. This alteration is then predicted to lead to a truncated or absent protein. Loss of function of the RAB3GAP2 gene is strongly associated to autosomal recessive Martsolf syndrome 1. In summary, although although additional studies are required to fully establish its clinical significance, this variant is likely pathogenic for autosomal recessive Martsolf syndrome 1. ACMG/AMP Criteria applied: PVS1_Strong, PM2_Supporting, PM3 (Richards 2015).

NM_012414.4(RAB3GAP2):c.2287_2291del (p.Ala762_Gly763insTer)

Gene: RAB3GAP2 (RAB3 GTPase activating non-catalytic protein subunit 2; minus strand). Cytogenetic location: 1q41.
Variant type: Deletion.
Coding change: c.2287_2291del on transcript NM_012414.4 (MANE Select); coding-DNA positions 2287 to 2291, 5 bases deleted (GGTCT; older notation c.2287_2291delGGTCT).
Protein change: p.Ala762_Gly763insTer.
Molecular consequence: nonsense.
Genome position (GRCh38, 1-based): chr1:220,182,276-220,182,280, AGACC deleted on the plus strand (GGTCT on the coding strand, the reverse complement: RAB3GAP2 is on the minus strand); deleting any 5 consecutive bases within chr1:220,182,276-220,182,282 gives the same sequence; the c. name uses the placement nearest the transcript's 3' end. VCF-style (leftmost placement, unchanged base first): chr1-220182275-AAGACC-A. GRCh37 (hg19) VCF-style: chr1-220355617-AAGACC-A.
Other names: NM_012414.4:c.2287_2291del.
Identifiers: ClinVar variation 2412696 (VCV002412696.1), dbSNP rs2528662363, ClinGen allele CA2573332358.